The following is an entry in ClinVar:

NM_001166114.2(PNPLA6):c.1339G>T (p.Gly447Trp)

Gene: PNPLA6 (patatin like domain 6, lysophospholipase; plus strand). Cytogenetic location: 19p13.2.
Variant type: single nucleotide variant.
Coding change: c.1339G>T on transcript NM_001166114.2 (MANE Select); coding-DNA position 1339, G replaced by T.
Protein change: p.Gly447Trp; replaces glycine 447 with tryptophan.
Molecular consequence: missense variant.
Genome position (GRCh38, 1-based): chr19:7,542,647, G>T. VCF-style: chr19-7542647-G-T. GRCh37 (hg19) VCF-style: chr19-7607533-G-T.
Other names: c.1366G>T (NM_001166111.1); c.1366G>T, p.Gly456Trp (NM_001166111.2); c.1222G>T, p.Gly408Trp (NM_001166112.2, NM_001166113.1, NM_006702.5); short protein forms G408W, G447W, G456W.
Identifiers: ClinVar variation 1501295 (VCV001501295.7), dbSNP rs373883256, ClinGen allele CA9139770.

ClinVar aggregate classification (germline): Uncertain significance. Review status: criteria provided, multiple submitters, no conflicts (2 of 4 stars). 2 submissions from 2 submitters: Uncertain significance (2). Last evaluated 2024-02-13.

Conditions:
Hereditary spastic paraplegia 39 (SPG39). Also called: Spastic Paraplegia Type 39 (SPG39); SPASTIC PARAPLEGIA 39, AUTOSOMAL RECESSIVE. Identifiers: Orphanet 139480, MedGen C2677586, MONDO:0012787, OMIM 612020.

Allele frequency attached by ClinVar (database versions not stated): ExAC 0.00002; gnomAD 0.00003; ESP Exome Variant Server 0.00008.

Submissions (2):

Athena Diagnostics
Classification: Uncertain significance. Last evaluated: 2024-02-13. Review status: criteria provided, single submitter. Criteria: Athena Diagnostics Criteria. Collection method: clinical testing. Allele origin: unknown.
Comment: Available data are insufficient to determine the clinical significance of the variant at this time. The frequency of this variant in the general population is uninformative in assessment of its pathogenicity. Computational tools disagree on the variant's effect on normal protein function.

Labcorp Genetics (formerly Invitae), Labcorp
Classification: Uncertain significance for Hereditary spastic paraplegia 39. Last evaluated: 2022-02-04. Review status: criteria provided, single submitter. Criteria: Invitae Variant Classification Sherloc (09022015). Collection method: clinical testing. Allele origin: germline.
Comment: In summary, the available evidence is currently insufficient to determine the role of this variant in disease. Therefore, it has been classified as a Variant of Uncertain Significance. Algorithms developed to predict the effect of missense changes on protein structure and function are either unavailable or do not agree on the potential impact of this missense change (SIFT: "Deleterious"; PolyPhen-2: "Benign"; Align-GVGD: "Class C25"). This variant has not been reported in the literature in individuals affected with PNPLA6-related conditions. The frequency data for this variant in the population databases is considered unreliable, as metrics indicate poor data quality at this position in the gnomAD database. This sequence change replaces glycine, which is neutral and non-polar, with tryptophan, which is neutral and slightly polar, at codon 408 of the PNPLA6 protein (p.Gly408Trp).